The following is an entry in ClinVar:

ClinVar aggregate classification (germline): Pathogenic (1 of 4 stars; one submission).

Conditions:
Vici syndrome (VICIS). Identifiers: Orphanet 1493, MedGen C1855772, MONDO:0009452, OMIM 242840.

Submission:

Labcorp Genetics (formerly Invitae), Labcorp
Classification: Pathogenic for Vici syndrome. Last evaluated: 2023-11-19. Review status: criteria provided, single submitter. Criteria: Invitae Variant Classification Sherloc (09022015). Collection method: clinical testing. Allele origin: germline.
Comment: This sequence change creates a premature translational stop signal (p.Gly1859Alafs*32) in the EPG5 gene. It is expected to result in an absent or disrupted protein product. Loss-of-function variants in EPG5 are known to be pathogenic (PMID: 23222957, 23674064). This variant is not present in population databases (gnomAD no frequency). This variant has not been reported in the literature in individuals affected with EPG5-related conditions. For these reasons, this variant has been classified as Pathogenic.

Literature cited by the submitters: PubMed 23222957; PubMed 23674064.

NM_020964.3(EPG5):c.5576del (p.Gly1859fs)

Gene: EPG5 (ectopic P-granules 5 autophagy tethering factor; minus strand). Cytogenetic location: 18q12.3.
Variant type: Deletion.
Coding change: c.5576del on transcript NM_020964.3 (MANE Select); coding-DNA position 5576, one base deleted (G; older notation c.5576delG).
Protein change: p.Gly1859fs; shifts the reading frame from glycine 1859.
Molecular consequence: frameshift variant.
Genome position (GRCh38, 1-based): chr18:45,880,166, C deleted on the plus strand (G on the coding strand, the reverse complement: EPG5 is on the minus strand); the first of 3 consecutive C bases (chr18:45,880,166-45,880,168); deleting any one gives the same sequence. VCF-style (leftmost placement, unchanged base first): chr18-45880165-GC-G. GRCh37 (hg19) VCF-style: chr18-43460130-GC-G.
Other names: c.5576del, p.Gly1859fs (NM_001410858.1, NM_001410859.1); short protein forms G1859fs.
Identifiers: ClinVar variation 2695792 (VCV002695792.3), dbSNP rs1475078130, ClinGen allele CA779751444.